The following is an entry in ClinVar:

NM_000059.4(BRCA2):c.2933A>G (p.Asn978Ser)

Gene: BRCA2 (BRCA2 DNA repair associated; plus strand). Cytogenetic location: 13q13.1.
Variant type: single nucleotide variant.
Coding change: c.2933A>G on transcript NM_000059.4 (MANE Select); coding-DNA position 2933, A replaced by G.
Protein change: p.Asn978Ser; replaces asparagine 978 with serine.
Molecular consequence: missense variant.
Genome position (GRCh38, 1-based): chr13:32,337,288, A>G. VCF-style: chr13-32337288-A-G. GRCh37 (hg19) VCF-style: chr13-32911425-A-G.
Other names: short protein forms N978S.
Identifiers: ClinVar variation 232733 (VCV000232733.27), dbSNP rs775890004, ClinGen allele CA6940645.

ClinVar aggregate classification (germline): Conflicting classifications of pathogenicity. Review status: criteria provided, conflicting classifications (1 of 4 stars). 8 submissions from 8 submitters: Uncertain significance (6); Likely benign (2). Last evaluated 2026-03-11.

Conditions:
BRCA2-related disorder. Also called: BRCA2-related condition; BRCA2-related disorders. Identifiers: MedGen CN239275.
Hereditary cancer-predisposing syndrome. Also called: Neoplastic Syndromes, Hereditary; Hereditary Cancer Syndrome; Hereditary neoplastic syndrome; Tumor predisposition. Identifiers: Orphanet 140162, MedGen C0027672, MeSH D009386, MONDO:0015356.
Breast-ovarian cancer, familial, susceptibility to, 2 (BROVCA2). Also called: BRCA2 Hereditary Breast and Ovarian Cancer. Identifiers: Orphanet 145, MedGen C2675520, MONDO:0012933, OMIM 612555. Disease mechanism: loss of function.
Hereditary breast ovarian cancer syndrome. Also called: Hereditary breast and ovarian cancer syndrome (HBOC); Hereditary breast and/or ovarian cancer syndrome; Breast and ovarian cancer; Hereditary breast and ovarian cancer syndrome; Hereditary breast and ovarian cancer; BRCA1- and BRCA2-Associated Hereditary Breast and Ovarian Cancer. Identifiers: Orphanet 145, MedGen C0677776, MeSH D061325, MONDO:0003582. Disease mechanism: loss of function.

Allele frequency attached by ClinVar (database versions not stated): ExAC 0.00001; TOPMed 0.00005; gnomAD 0.00001; gnomAD exomes below 0.00001 and 0.00001.
gnomAD v4.1: 2 of 1,612,542 alleles (0.00012%); highest among the groups gnomAD compares: Admixed American, 0.0017%; no homozygotes.

Submissions (8):

Myriad Genetics, Inc.
Classification: Likely benign for Breast-ovarian cancer, familial, susceptibility to, 2. Last evaluated: 2026-03-11. Review status: criteria provided, single submitter. Criteria: Myriad Autosomal Dominant, Autosomal Recessive and X-Linked Classification Criteria (2023). Collection method: clinical testing. Allele origin: unknown.
Comment: This variant is considered likely benign. This variant is strongly associated with less severe personal and family histories of cancer, typical for individuals without pathogenic variants in this gene [PMID: 25085752].

Labcorp Genetics (formerly Invitae), Labcorp
Classification: Uncertain significance for Hereditary breast ovarian cancer syndrome. Last evaluated: 2025-11-18. Review status: criteria provided, single submitter. Criteria: Invitae Variant Classification Sherloc (09022015). Collection method: clinical testing. Allele origin: germline.
Comment: This sequence change replaces asparagine, which is neutral and polar, with serine, which is neutral and polar, at codon 978 of the BRCA2 protein (p.Asn978Ser). This variant is present in population databases (rs775890004, gnomAD 0.007%). This missense change has been observed in individual(s) with BRCA2-related conditions (PMID: 27443514). ClinVar contains an entry for this variant (Variation ID: 232733). Invitae Evidence Modeling of protein sequence and biophysical properties (such as structural, functional, and spatial information, amino acid conservation, physicochemical variation, residue mobility, and thermodynamic stability) indicates that this missense variant is not expected to disrupt BRCA2 protein function with a negative predictive value of 95%. In summary, the available evidence is currently insufficient to determine the role of this variant in disease. Therefore, it has been classified as a Variant of Uncertain Significance.

Ambry Genetics
Classification: Uncertain significance for Hereditary cancer-predisposing syndrome. Last evaluated: 2024-02-22. Review status: criteria provided, single submitter. Criteria: Ambry Variant Classification Scheme 2023. Collection method: clinical testing. Allele origin: germline.
Comment: The p.N978S variant (also known as c.2933A>G), located in coding exon 10 of the BRCA2 gene, results from an A to G substitution at nucleotide position 2933. The asparagine at codon 978 is replaced by serine, an amino acid with highly similar properties. This amino acid position is poorly conserved in available vertebrate species. In addition, this alteration is predicted to be tolerated by in silico analysis. Since supporting evidence for this variant is limited at this time, the clinical significance of this alteration remains unclear.

PreventionGenetics, part of Exact Sciences
Classification: Uncertain significance for BRCA2-related condition. Last evaluated: 2023-04-17. Review status: criteria provided, single submitter. Criteria: ACMG Guidelines, 2015. Collection method: clinical testing. Allele origin: germline.
Comment: The BRCA2 c.2933A>G variant is predicted to result in the amino acid substitution p.Asn978Ser. To our knowledge, this variant has not been reported in the literature. This variant is reported in 2 of ~249,000 alleles in gnomAD. It has conflicting interpretations of likely benign and uncertain significance in ClinVar. This variant occurs within a region of the BRCA2 gene that is predicted to be tolerant to variation (Table 2, Dines et al. 2020. PubMed ID: 31911673). At this time, the clinical significance of this variant is uncertain due to the absence of conclusive functional and genetic evidence.

University of Washington Department of Laboratory Medicine, University of Washington
Classification: Likely benign for Hereditary cancer-predisposing syndrome. Last evaluated: 2023-03-23. Review status: criteria provided, single submitter. Criteria: Dines et al. (Genet Med. 2020). Collection method: curation. Allele origin: germline.
Comment: Missense variant in a coldspot region where missense variants are very unlikely to be pathogenic (PMID:31911673).

BRCA2 exon 11 coldspot. Reclassification based on statistical prior probability.

GeneDx
Classification: Uncertain significance. Last evaluated: 2023-02-24. Review status: criteria provided, single submitter. Criteria: GeneDx Variant Classification Process June 2021. Collection method: clinical testing. Allele origin: germline. Affected: yes.
Comment: Not observed at significant frequency in large population cohorts (gnomAD); In silico analysis supports that this missense variant does not alter protein structure/function; Has not been previously published as pathogenic or benign to our knowledge; Also known as 3161A>G

Quest Diagnostics Nichols Institute San Juan Capistrano
Classification: Uncertain significance. Last evaluated: 2022-10-10. Review status: criteria provided, single submitter. Criteria: Quest Diagnostics criteria. Collection method: clinical testing. Allele origin: unknown.
Comment: The frequency of this variant in the general population, 0.000008 (2/249310 chromosomes), is uninformative in assessment of its pathogenicity. In the published literature, the variant has been reported in individuals with endometrial cancer (PMID: 27443514 (2016)) and breast cancer (PMID: 33471991 (2021)), as well as unaffected individuals (PMID: 33471991 (2021)). Analysis of this variant using bioinformatics tools for the prediction of the effect of amino acid changes on protein structure and function yielded predictions that this variant is benign. Based on the available information, we are unable to determine the clinical significance of this variant.

Color Diagnostics, LLC DBA Color Health
Classification: Uncertain significance for Hereditary cancer-predisposing syndrome. Last evaluated: 2022-02-09. Review status: criteria provided, single submitter. Criteria: ACMG Guidelines, 2015. Collection method: clinical testing. Allele origin: germline.
Comment: This missense variant replaces asparagine with serine at codon 978 of the BRCA2 protein. Computational prediction suggests that this variant may not impact protein structure and function (internally defined REVEL score threshold <= 0.5, PMID: 27666373). To our knowledge, functional studies have not been reported for this variant. In a large breast cancer case-control study conducted by the BRIDGES consortium, this variant was reported in 2/60466 cases and 1/53461 controls, showing inconclusive association with disease (OR=1.768, 95%CI 0.16 to 19.503; p-value=1) (PMID: 33471991; Leiden Open Variation Database DB-ID BRCA2_000557). This variant has been identified in 2/249310 chromosomes in the general population by the Genome Aggregation Database (gnomAD). The available evidence is insufficient to determine the role of this variant in disease conclusively. Therefore, this variant is classified as a Variant of Uncertain Significance.

Literature cited by the submitters: PubMed 25085752 (cited by Myriad Genetics, Inc.); PubMed 27443514 (cited by Labcorp Genetics (formerly Invitae), Labcorp and Quest Diagnostics Nichols Institute San Juan Capistrano); PubMed 33471991 (cited by Quest Diagnostics Nichols Institute San Juan Capistrano and Color Diagnostics, LLC DBA Color Health); PubMed 31911673 (cited by Quest Diagnostics Nichols Institute San Juan Capistrano); PubMed 32377563 (cited by Quest Diagnostics Nichols Institute San Juan Capistrano); PubMed 31853058 (cited by Quest Diagnostics Nichols Institute San Juan Capistrano).